The following is an entry in ClinVar:

ClinVar aggregate classification (germline): Pathogenic (1 of 4 stars; one submission).

Conditions:
Diamond-Blackfan anemia. Also called: Aase syndrome; Blackfan Diamond syndrome; Aregenerative anemia chronic congenital; Red cell aplasia, pure hereditary; Congenital hypoplastic anemia. Identifiers: Orphanet 124, MedGen C1260899, MeSH D029503, MONDO:0015253, HP:0004810.

Submission:

Ambry Genetics
Classification: Pathogenic for Diamond-Blackfan anemia. Last evaluated: 2017-03-02. Review status: criteria provided, single submitter. Criteria: Ambry Variant Classification Scheme 2023. Collection method: clinical testing. Allele origin: germline.
Comment: The c.92dupA pathogenic mutation, located in coding exon 3 of the RPL5 gene, results from a duplication of A at nucleotide position 92, causing a translational frameshift with a predicted alternate stop codon (p.Y31*). This alteration is expected to result in loss of function by premature protein truncation or nonsense-mediated mRNA decay. As such, this alteration is interpreted as a disease-causing mutation.

NM_000969.5(RPL5):c.92dup (p.Tyr31Ter)

Genes: DIPK1A (divergent protein kinase domain 1A; minus strand), RPL5 (ribosomal protein L5; plus strand). Cytogenetic location: 1p22.1.
Variant type: Duplication.
Coding change: c.92dup on transcript NM_000969.5 (MANE Select); coding-DNA position 92, one base duplicated (A; older notation c.92dupA).
Protein change: p.Tyr31Ter; replaces tyrosine 31 with a stop codon.
Molecular consequence: nonsense. On other transcripts: non-coding transcript variant (1), intron variant (1).
Genome position (GRCh38, 1-based): chr1:92,833,563, A duplicated. VCF-style (leftmost placement, unchanged base first): chr1-92833562-T-TA. GRCh37 (hg19) VCF-style: chr1-93299119-T-TA.
Other names: c.475-529dup (NM_001252273.2); short protein forms Y31*.
Identifiers: ClinVar variation 1766492 (VCV001766492.2), dbSNP rs2524448314, ClinGen allele CA645523223.
Genomic context (GRCh38, chr1:92,833,562, plus strand): 5'-GATGCAGTGGAGTATCCTTTCTACAATTATTTTTTTCTTTCAGAGGGTAAAACTGATTAT[T>TA]ATGCTCGGAAACGCTTGGTGATACAAGATAAAAATAAATACAACACACCCAAATACAGGA-3'